The following is an entry in ClinVar:

ClinVar aggregate classification (germline): Conflicting classifications of pathogenicity. Review status: criteria provided, conflicting classifications (1 of 4 stars). 4 submissions from 4 submitters: Likely pathogenic (1); Uncertain significance (2). 1 of the submissions does not count toward it. Last evaluated 2026-06-16.

Conditions:
Usher syndrome. Also called: Usher Syndromes; Usher's syndrome. Identifiers: Orphanet 886, MedGen CN469326, MeSH D052245, MONDO:0019501. Disease mechanism: loss of function.
Rare genetic deafness. Identifiers: Orphanet 96210, MedGen C5680250.
Retinitis pigmentosa 39 (RP39). Identifiers: Orphanet 791, MedGen C3151138, MONDO:0013436, OMIM 613809.

Submissions (4):

Women's Health and Genetics/Laboratory Corporation of America, LabCorp
Classification: Uncertain significance. Last evaluated: 2026-06-16. Review status: criteria provided, single submitter. Criteria: LabCorp Variant Classification Summary - May 2015. Collection method: clinical testing. Allele origin: germline.
Comment: Variant summary: USH2A c.12700A>C (p.Thr4234Pro) results in a non-conservative amino acid change in the encoded protein sequence. Algorithms developed to predict the effect of missense changes on protein structure and function are either unavailable or do not agree on the potential impact of this missense change. The variant was absent in 250614 control chromosomes. c.12700A>C has been observed in at least one individual(s) with a homozygous genotype affected with USH2A-related conditions (e.g. Lenarduzzi_2015). These data indicate that the variant may be associated with disease. To our knowledge, no experimental evidence demonstrating an impact on protein function has been reported. The following publications have been ascertained in the context of this evaluation (PMID: 36460718, 25575603, 34906470). ClinVar contains an entry for this variant (Variation ID: 228311). Based on the evidence outlined above, the variant was classified as VUS-possibly pathogenic.

Baylor Genetics
Classification: Likely pathogenic for Retinitis pigmentosa 39. Last evaluated: 2024-01-25. Review status: criteria provided, single submitter. Criteria: ACMG Guidelines, 2015. Collection method: clinical testing. Allele origin: unknown.

Ocular Genomics Institute, Massachusetts Eye and Ear
Classification: Uncertain significance for Retinitis pigmentosa 39. Last evaluated: 2021-04-08. Review status: criteria provided, single submitter. Criteria: ACMG Guidelines, 2015. Collection method: research. Allele origin: germline. Affected: yes.
Comment: Through a review of available evidence we were able to apply the following criteria: PM2. Based on this evidence we have classified this variant as Variant of Uncertain Significance.

Laboratory for Molecular Medicine, Mass General Brigham Personalized Medicine
Classification: Likely pathogenic for Rare genetic deafness; Usher syndrome. Last evaluated: 2015-11-07. Review status: flagged submission. Criteria: LMM Criteria. Collection method: clinical testing. Allele origin: germline. Inheritance: Autosomal recessive inheritance. Observed: 1 variant allele. Not counted in ClinVar's aggregate classification.
Comment: The p.Thr4234Pro variant in USH2A has been reported as a homozygous variant in o ne individual with clinical features of Usher syndrome type 2 (Lenarduzzi 2015), and was absent from large race-matched population studies. Computational predic tion tools and conservation analyses of the predicted amino acid change at this position do not provide strong support for or against an impact to the protein. However, the nucleotide base affected by the variant (the adenosine (A) base at c.12700) is well conserved across species and splice prediction tools suggest th at the variant may impact splicing; though this data is not predictive enough to determine pathogenicity. In summary, although additional studies are required t o fully establish its clinical significance, this variant is likely pathogenic.
ClinVar note: Reason: Claim with insufficient supporting evidence

Literature cited by the submitters: PubMed 25575603 (cited by 3 submitters); PubMed 36460718 (cited by Women's Health and Genetics/Laboratory Corporation of America, LabCorp); PubMed 34906470 (cited by Women's Health and Genetics/Laboratory Corporation of America, LabCorp).

NM_206933.4(USH2A):c.12700A>C (p.Thr4234Pro)

Gene: USH2A (usherin; minus strand). Cytogenetic location: 1q41.
Variant type: single nucleotide variant.
Coding change: c.12700A>C on transcript NM_206933.4 (MANE Select); coding-DNA position 12700, A replaced by C.
Protein change: p.Thr4234Pro; replaces threonine 4234 with proline.
Molecular consequence: missense variant.
Genome position (GRCh38, 1-based): chr1:215,675,211, T>G on the plus strand (A>C on the coding strand, the complement: USH2A is on the minus strand). VCF-style: chr1-215675211-T-G. GRCh37 (hg19) VCF-style: chr1-215848553-T-G.
Other names: short protein forms T4234P.
Identifiers: ClinVar variation 228311 (VCV000228311.8), dbSNP rs577938494, ClinGen allele CA10576374.